The following is an entry in ClinVar:

ClinVar aggregate classification (germline): Benign (1 of 4 stars; one submission).

Conditions:
Breast-ovarian cancer, familial, susceptibility to, 3. Also called: RAD51C-Related Breast/Ovarian Cancer. Identifiers: Orphanet 145, MedGen C3150659, MONDO:0013253, OMIM 613399.

gnomAD v4.1: 1 of 1,614,234 alleles (0.000062%); highest among the groups gnomAD compares: Non-Finnish European, 0.000085%; no homozygotes.

Submission:

Myriad Genetics, Inc.
Classification: Benign for Breast-ovarian cancer, familial, susceptibility to, 3. Last evaluated: 2025-02-14. Review status: criteria provided, single submitter. Criteria: Myriad Autosomal Dominant, Autosomal Recessive and X-Linked Classification Criteria (2023). Collection method: clinical testing. Allele origin: unknown.
Comment: This variant is considered benign. This variant is a silent/synonymous amino acid change and it is not expected to impact splicing.

NM_058216.3(RAD51C):c.63A>C (p.Pro21=)

Gene: RAD51C (RAD51 paralog C; plus strand). Cytogenetic location: 17q22.
Variant type: single nucleotide variant.
Coding change: c.63A>C on transcript NM_058216.3 (MANE Select); coding-DNA position 63, A replaced by C.
Protein change: p.Pro21=; no amino-acid change (proline 21 retained).
Molecular consequence: synonymous variant. On other transcripts: non-coding transcript variant (1).
Genome position (GRCh38, 1-based): chr17:58,692,706, A>C. VCF-style: chr17-58692706-A-C. GRCh37 (hg19) VCF-style: chr17-56770067-A-C.
Other names: c.63A>C, p.Pro21= (NM_002876.4).
Identifiers: ClinVar variation 3904352 (VCV003904352.1).
Genomic context (GRCh38, chr17:58,692,706, plus strand): 5'-GCGCGGGAAGACGTTCCGCTTTGAAATGCAGCGGGATTTGGTGAGTTTCCCGCTGTCTCC[A>C]GCGGTGCGGGTGAAGCTGGTGTCTGCGGGGTTCCAGACTGCTGAGGAACTCCTAGAGGTG-3'
Protein context (NP_478123.1, residues 11-31): QRDLVSFPLS[Pro21=]AVRVKLVSAG